The following is an entry in ClinVar:

ClinVar aggregate classification (germline): Uncertain significance (1 of 4 stars; one submission).

Conditions:
Symmetrical dyschromatosis of extremities (DSH). Also called: DYSCHROMATOSIS SYMMETRICA HEREDITARIA 1; RETICULATE ACROPIGMENTATION OF DOHI; SYMMETRIC DYSCHROMATOSIS OF THE EXTREMITIES; Dyschromatosis symmetrica hereditaria. Identifiers: Orphanet 41, MedGen C0406775, MONDO:0007483, OMIM 127400.
Aicardi-Goutieres syndrome 6 (AGS6). Identifiers: Orphanet 51, MedGen C3539013, MONDO:0014007, OMIM 615010.

Allele frequency attached by ClinVar (database versions not stated): gnomAD exomes below 0.00001; gnomAD 0.00001; TOPMed 0.00001; ExAC 0.00002.
gnomAD v4.1: 5 of 1,612,184 alleles (0.00031%); highest among the groups gnomAD compares: Non-Finnish European, 0.00034%; no homozygotes.

Submission:

Labcorp Genetics (formerly Invitae), Labcorp
Classification: Uncertain significance for Aicardi-Goutieres syndrome 6; Symmetrical dyschromatosis of extremities. Last evaluated: 2024-09-10. Review status: criteria provided, single submitter. Criteria: Invitae Variant Classification Sherloc (09022015). Collection method: clinical testing. Allele origin: germline.
Comment: This sequence change replaces phenylalanine, which is neutral and non-polar, with serine, which is neutral and polar, at codon 245 of the ADAR protein (p.Phe245Ser). This variant is present in population databases (rs570816405, gnomAD 0.002%). This variant has not been reported in the literature in individuals affected with ADAR-related conditions. Experimental studies and prediction algorithms are not available or were not evaluated, and the functional significance of this variant is currently unknown. In summary, the available evidence is currently insufficient to determine the role of this variant in disease. Therefore, it has been classified as a Variant of Uncertain Significance.

NM_001111.5(ADAR):c.734T>C (p.Phe245Ser)

Gene: ADAR (adenosine deaminase RNA specific; minus strand). Cytogenetic location: 1q21.3.
Variant type: single nucleotide variant.
Coding change: c.734T>C on transcript NM_001111.5 (MANE Select); coding-DNA position 734, T replaced by C.
Protein change: p.Phe245Ser; replaces phenylalanine 245 with serine.
Molecular consequence: missense variant. On other transcripts: 5 prime UTR variant (6).
Genome position (GRCh38, 1-based): chr1:154,601,908, A>G on the plus strand (T>C on the coding strand, the complement: ADAR is on the minus strand). VCF-style: chr1-154601908-A-G. GRCh37 (hg19) VCF-style: chr1-154574384-A-G.
Other names: c.-152T>C (NM_001193495.2, NM_001365046.1, NM_001365047.1 and 3 more transcripts); c.761T>C, p.Phe254Ser (NM_001365045.1); c.734T>C, p.Phe245Ser (NM_015840.4, NM_015841.4); short protein forms F245S, F254S.
Identifiers: ClinVar variation 2949334 (VCV002949334.3), dbSNP rs570816405, ClinGen allele CA1131646.